The following is an entry in ClinVar:

NM_014244.5(ADAMTS2):c.97_98insAGATGTGTATAAGAGACAG (p.Pro33fs)

Gene: ADAMTS2 (ADAM metallopeptidase with thrombospondin type 1 motif 2; minus strand). Cytogenetic location: 5q35.3.
Variant type: Insertion.
Coding change: c.97_98insAGATGTGTATAAGAGACAG on transcript NM_014244.5 (MANE Select); coding-DNA positions 97 to 98, AGATGTGTATAAGAGACAG inserted.
Protein change: p.Pro33fs; shifts the reading frame from proline 33.
Molecular consequence: frameshift variant.
Genome position: GRCh38 VCF-style: chr5-179345231-G-GCTGTCTCTTATACACATCT. GRCh37 (hg19) VCF-style: chr5-178772232-G-GCTGTCTCTTATACACATCT.
Other names: c.97_98insAGATGTGTATAAGAGACAG, p.Pro33fs (NM_021599.4); short protein forms P33fs.
Identifiers: ClinVar variation 5010720 (VCV005010720.1).

ClinVar aggregate classification (germline): Pathogenic (1 of 4 stars; one submission).

Conditions:
Ehlers-Danlos syndrome, dermatosparaxis type. Also called: EDS VIIC; Dermatosparaxis; Ehlers-Danlos syndrome, type VII, autosomal recessive. Identifiers: Orphanet 1901, MedGen C2700425, MONDO:0009161, OMIM 225410.

Submission:

Myriad Genetics, Inc.
Classification: Pathogenic for Ehlers-Danlos syndrome, dermatosparaxis type. Last evaluated: 2024-05-14. Review status: criteria provided, single submitter. Criteria: Myriad Autosomal Dominant, Autosomal Recessive and X-Linked Classification Criteria (2023). Collection method: clinical testing. Allele origin: unknown.
Comment: NM_014244.4(ADAMTS2):c.97_98ins19(P33Qfs*39) is expected to be pathogenic in the context of Ehlers-Danlos syndrome, ADAMTS2-related. This variant is predicted to lead to an abnormal or absent protein product due to the creation of a premature termination codon in ADAMTS2, a gene where loss-of-function variants are known to be pathogenic. Please note: this variant was assessed in the context of healthy population screening.